The following is an entry in ClinVar:

ClinVar aggregate classification (germline): Conflicting classifications of pathogenicity. Review status: criteria provided, conflicting classifications (1 of 4 stars). 8 submissions from 8 submitters: Uncertain significance (2); Benign (2); Likely benign (3). 1 of the submissions does not count toward it. Last evaluated 2026-02-03.

Conditions:
LAMP2-related disorder. Also called: LAMP2-related condition.
Cardiovascular phenotype. Identifiers: MedGen CN230736.
Cardiomyopathy (CMYO). Also called: Cardiomyopathies. Identifiers: Orphanet 167848, MedGen C0878544, MONDO:0004994, HP:0001638. Inheritance: Various modes of inheritance.
Danon disease. Also called: ANTOPOL DISEASE; Glycogen Storage Disease Type IIb; PSEUDOGLYCOGENOSIS II; GSD IIb; LYSOSOMAL GLYCOGEN STORAGE DISEASE WITHOUT ACID MALTASE DEFICIENCY. Identifiers: Orphanet 34587, MedGen C0878677, MONDO:0010281, OMIM 300257.

Allele frequency attached by ClinVar (database versions not stated): gnomAD exomes 0.00001 and 0.00012; ExAC 0.00017; gnomAD 0.00022 and 0.00026; TOPMed 0.00025; ESP Exome Variant Server 0.00057.

Submissions (8):

Labcorp Genetics (formerly Invitae), Labcorp
Classification: Benign for Danon disease. Last evaluated: 2026-02-03. Review status: criteria provided, single submitter. Criteria: Invitae Variant Classification Sherloc (09022015). Collection method: clinical testing. Allele origin: germline.

CeGaT Center for Human Genetics Tuebingen
Classification: Likely benign. Last evaluated: 2025-08-01. Review status: criteria provided, single submitter. Criteria: CeGaT Center For Human Genetics Tuebingen Variant Classification Criteria Version 2. Collection method: clinical testing. Allele origin: germline. Affected: yes. Observed: 1 variant allele.
Comment: LAMP2: BP4, BS2

Blueprint Genetics
Classification: Likely benign. Last evaluated: 2024-11-22. Review status: criteria provided, single submitter. Criteria: ACMG Guidelines, 2015. Collection method: clinical testing. Allele origin: germline.

CHEO Genetics Diagnostic Laboratory, Children's Hospital of Eastern Ontario
Classification: Uncertain significance for Cardiomyopathy. Last evaluated: 2021-05-11. Review status: criteria provided, single submitter. Criteria: ACMG Guidelines, 2015. Collection method: clinical testing. Allele origin: germline. Study: Canadian Open Genetics Repository.

GeneDx
Classification: Benign. Last evaluated: 2020-10-02. Review status: criteria provided, single submitter. Criteria: GeneDx Variant Classification Process June 2021. Collection method: clinical testing. Allele origin: germline. Affected: yes.

Ambry Genetics
Classification: Likely benign for Cardiovascular phenotype. Last evaluated: 2019-07-18. Review status: criteria provided, single submitter. Criteria: Ambry Variant Classification Scheme 2023. Collection method: clinical testing. Allele origin: germline.

Laboratory for Molecular Medicine, Mass General Brigham Personalized Medicine
Classification: Uncertain significance. Last evaluated: 2015-03-23. Review status: criteria provided, single submitter. Criteria: LMM Criteria. Collection method: clinical testing. Allele origin: germline. Observed: 1 variant allele.
Comment: Variant classified as Uncertain Significance - Favor Benign. The p.Val381Ala var iant in LAMP2 has not been previously reported in individuals with cardiomyopath y or Danon disease, but has been identified in 0.1% (11/8513) African chromosome s, including 3 hemizygotes, by the Exome Aggregation Consortium (ExAC; dbSNP rs139633545). Computational prediction tools and co nservation analysis suggest that this variant may impact the protein, though thi s information is not predictive enough to determine pathogenicity. In summary, w hile the clinical significance of the p.Val381Ala variant is uncertain, its freq uency and presence in multiple hemizygous control individuals suggests that it is more likely to be benign.

PreventionGenetics, part of Exact Sciences
Classification: Likely benign for LAMP2-related condition. Last evaluated: 2020-11-17. Review status: no assertion criteria provided. Collection method: clinical testing. Allele origin: germline. Not counted in ClinVar's aggregate classification.
Comment: This variant is classified as likely benign based on ACMG/AMP sequence variant interpretation guidelines (Richards et al. 2015 PMID: 25741868, with internal and published modifications).

NM_002294.3(LAMP2):c.1142T>C (p.Val381Ala)

Gene: LAMP2 (lysosome associated membrane protein 2; minus strand). Cytogenetic location: Xq24.
Variant type: single nucleotide variant.
Coding change: c.1142T>C on transcript NM_002294.3 (MANE Select); coding-DNA position 1142, T replaced by C.
Protein change: p.Val381Ala; replaces valine 381 with alanine.
Molecular consequence: missense variant. On other transcripts: genic downstream transcript variant (1), intron variant (1).
Genome position (GRCh38, 1-based): chrX:120,431,414, A>G on the plus strand (T>C on the coding strand, the complement: LAMP2 is on the minus strand). VCF-style: chrX-120431414-A-G. GRCh37 (hg19) VCF-style: chrX-119565269-A-G.
Other names: p.V381A:GTG>GCG; c.*7740T>C (NM_013995.2); c.1094-2788T>C (NM_001122606.1); short protein forms V381A.
Identifiers: ClinVar variation 180882 (VCV000180882.33), dbSNP rs139633545, ClinGen allele CA333697.